The following is an entry in ClinVar:

ClinVar aggregate classification (germline): Uncertain significance (1 of 4 stars; one submission).

Conditions:
Aicardi-Goutieres syndrome 2. Identifiers: Orphanet 51, MedGen C3489724, MONDO:0012429, OMIM 610181.

Submission:

Labcorp Genetics (formerly Invitae), Labcorp
Classification: Uncertain significance for Aicardi-Goutieres syndrome 2. Last evaluated: 2022-08-13. Review status: criteria provided, single submitter. Criteria: Invitae Variant Classification Sherloc (09022015). Collection method: clinical testing. Allele origin: germline.
Comment: This sequence change falls in intron 6 of the RNASEH2B gene. It does not directly change the encoded amino acid sequence of the RNASEH2B protein. Information on the frequency of this variant in the gnomAD database is not available, as this variant may be reported differently in the database. This variant has not been reported in the literature in individuals affected with RNASEH2B-related conditions. Experimental studies and prediction algorithms are not available or were not evaluated, and the effect of this variant on mRNA splicing is currently unknown. In summary, the available evidence is currently insufficient to determine the role of this variant in disease. Therefore, it has been classified as a Variant of Uncertain Significance.

NM_024570.4(RNASEH2B):c.511-22_511-20delinsGAA

Gene: RNASEH2B (ribonuclease H2 subunit B; plus strand). Cytogenetic location: 13q14.3.
Variant type: Indel.
Coding change: c.511-22_511-20delinsGAA on transcript NM_024570.4 (MANE Select); 22 bases into the intron before coding-DNA position 511 through 20 bases into the intron before coding-DNA position 511, TCC replaced by GAA.
Molecular consequence: intron variant.
Genome position (GRCh38, 1-based): chr13:50,945,405-50,945,407, TCC replaced by GAA. VCF-style: chr13-50945405-TCC-GAA. GRCh37 (hg19) VCF-style: chr13-51519541-TCC-GAA.
Other names: c.511-22_511-20delinsGAA (NM_001142279.2).
Identifiers: ClinVar variation 2187318 (VCV002187318.1), dbSNP rs2541526313, ClinGen allele CA2580087624.